The following is an entry in ClinVar:

NM_012186.3(FOXE3):c.822G>A (p.Thr274=)

Genes: FOXE3 (forkhead box E3; plus strand), LINC01389 (long independently transcribed non-coding RNA 1389; minus strand). Cytogenetic location: 1p33.
Variant type: single nucleotide variant.
Coding change: c.822G>A on transcript NM_012186.3 (MANE Select); coding-DNA position 822, G replaced by A.
Protein change: p.Thr274=; no amino-acid change (threonine 274 retained).
Molecular consequence: synonymous variant.
Genome position (GRCh38, 1-based): chr1:47,417,137, G>A. VCF-style: chr1-47417137-G-A. GRCh37 (hg19) VCF-style: chr1-47882809-G-A.
Identifiers: ClinVar variation 2941883 (VCV002941883.3), dbSNP rs1646889699, ClinGen allele CA417892449.
Genomic context (GRCh38, chr1:47,417,137, plus strand): 5'-TGCCGCCGCCTCCCCGCCACTCTACTCGCAGGTCCCCGACCGCCTGGTACTGCCCGCGAC[G>A]CGCCCCGGCCCCGGCCCGCTGCCCGCTGAGCCCCTCCTGGCCTTGGCCGGGCCGGCAGCC-3'
Protein context (NP_036318.1, residues 264-284): QVPDRLVLPA[Thr274=]RPGPGPLPAE

ClinVar aggregate classification (germline): Uncertain significance (1 of 4 stars; one submission).

Conditions:
Anterior segment dysgenesis. Also called: Ocular anterior segment dysgenesis. Identifiers: Orphanet 88632, MedGen C1862839, MONDO:0019503, HP:0007700.
Congenital primary aphakia. Also called: Anterior segment dysgenesis 2, multiple subtypes; ANTERIOR SEGMENT DYSGENESIS 2. Identifiers: Orphanet 83461, MedGen C1853230, MONDO:0012456, OMIM 610256.

Allele frequency attached by ClinVar (database versions not stated): gnomAD 0.00001; gnomAD exomes 0.00001.

Submission:

Labcorp Genetics (formerly Invitae), Labcorp
Classification: Uncertain significance for Anterior segment dysgenesis; Congenital primary aphakia. Last evaluated: 2022-11-28. Review status: criteria provided, single submitter. Criteria: Invitae Variant Classification Sherloc (09022015). Collection method: clinical testing. Allele origin: germline.
Comment: This variant has not been reported in the literature in individuals affected with FOXE3-related conditions. This sequence change affects codon 274 of the FOXE3 mRNA. It is a 'silent' change, meaning that it does not change the encoded amino acid sequence of the FOXE3 protein. This variant is not present in population databases (gnomAD no frequency). In summary, the available evidence is currently insufficient to determine the role of this variant in disease. Therefore, it has been classified as a Variant of Uncertain Significance.